The following is an entry in ClinVar:

NM_002485.5(NBN):c.976C>T (p.Gln326Ter)

Gene: NBN (nibrin; minus strand). Cytogenetic location: 8q21.3.
Variant type: single nucleotide variant.
Coding change: c.976C>T on transcript NM_002485.5 (MANE Select); coding-DNA position 976, C replaced by T.
Protein change: p.Gln326Ter; replaces glutamine 326 with a stop codon.
Molecular consequence: nonsense.
Genome position (GRCh38, 1-based): chr8:89,964,428, G>A on the plus strand (C>T on the coding strand, the complement: NBN is on the minus strand). VCF-style: chr8-89964428-G-A. GRCh37 (hg19) VCF-style: chr8-90976656-G-A.
Other names: Q326*; c.730C>T, p.Gln244Ter (NM_001024688.3); short protein forms Q244*.
Identifiers: ClinVar variation 6945 (VCV000006945.18), dbSNP rs121908973, ClinGen allele CA197104.

ClinVar aggregate classification (germline): Pathogenic. Review status: criteria provided, multiple submitters, no conflicts (2 of 4 stars). 6 submissions from 6 submitters: Pathogenic (3). 3 of the submissions do not count toward it. Last evaluated 2023-04-06.

Conditions:
Hereditary cancer-predisposing syndrome. Also called: Neoplastic Syndromes, Hereditary; Tumor predisposition; Hereditary Cancer Syndrome; Hereditary neoplastic syndrome. Identifiers: Orphanet 140162, MedGen C0027672, MeSH D009386, MONDO:0015356.
Microcephaly, normal intelligence and immunodeficiency (NBS). Also called: Immunodeficiency, microcephaly with normal intelligence; IMMUNODEFICIENCY, MICROCEPHALY, AND CHROMOSOMAL INSTABILITY; Ataxia telangiectasia variant V1; BERLIN BREAKAGE SYNDROME; SEEMANOVA SYNDROME II; Nijmegen breakage syndrome. Identifiers: Orphanet 647, MedGen C0398791, MONDO:0009623, OMIM 251260.

Allele frequency attached by ClinVar (database versions not stated): TOPMed below 0.00001.

Submissions (6):

Labcorp Genetics (formerly Invitae), Labcorp
Classification: Pathogenic for Microcephaly, normal intelligence and immunodeficiency. Last evaluated: 2023-04-06. Review status: criteria provided, single submitter. Criteria: Invitae Variant Classification Sherloc (09022015). Collection method: clinical testing. Allele origin: germline.
Comment: This sequence change creates a premature translational stop signal (p.Gln326*) in the NBN gene. It is expected to result in an absent or disrupted protein product. Loss-of-function variants in NBN are known to be pathogenic (PMID: 9590180, 16415040). For these reasons, this variant has been classified as Pathogenic. ClinVar contains an entry for this variant (Variation ID: 6945). This premature translational stop signal has been observed in individual(s) with Nijmegen Breakage Syndrome (PMID: 9590180). This variant is not present in population databases (gnomAD no frequency).

Genome-Nilou Lab
Classification: Pathogenic for Microcephaly, normal intelligence and immunodeficiency. Last evaluated: 2021-11-07. Review status: criteria provided, single submitter. Criteria: ACMG Guidelines, 2015. Collection method: clinical testing. Allele origin: germline. Affected: no.

Ambry Genetics
Classification: Pathogenic for Hereditary cancer-predisposing syndrome. Last evaluated: 2020-08-04. Review status: criteria provided, single submitter. Criteria: Ambry Variant Classification Scheme 2023. Collection method: clinical testing. Allele origin: germline.
Comment: The p.Q326* pathogenic mutation (also known as c.976C>T), located in coding exon 8 of the NBN gene, results from a C to T substitution at nucleotide position 976. This changes the amino acid from a glutamine to a stop codon within coding exon 8. In addition to the clinical data presented in the literature, this alteration is expected to result in loss of function by premature protein truncation or nonsense-mediated mRNA decay. As such, this alteration is interpreted as a disease-causing mutation.

Natera, Inc.
Classification: Pathogenic for Nijmegen breakage syndrome. Last evaluated: 2020-09-16. Review status: no assertion criteria provided. Collection method: clinical testing. Allele origin: germline. Not counted in ClinVar's aggregate classification.

OMIM
Classification: Pathogenic for NIJMEGEN BREAKAGE SYNDROME. Last evaluated: 1998-05-01. Review status: no assertion criteria provided. Collection method: literature only. Allele origin: germline. Not counted in ClinVar's aggregate classification.

GeneReviews
No classification provided. Condition: Microcephaly, normal intelligence and immunodeficiency. Review status: no classification provided. Collection method: literature only. Allele origin: germline. Not counted in ClinVar's aggregate classification.

Literature cited by the submitters: PubMed 9590180 (cited by 3 submitters); PubMed 16415040 (cited by Labcorp Genetics (formerly Invitae), Labcorp); NCBI Bookshelf NBK1176 (cited by GeneReviews).